The following is an entry in ClinVar:

NM_004380.3(CREBBP):c.250C>T (p.Pro84Ser)

Gene: CREBBP (CREB binding lysine acetyltransferase; minus strand). Cytogenetic location: 16p13.3.
Variant type: single nucleotide variant.
Coding change: c.250C>T on transcript NM_004380.3 (MANE Select); coding-DNA position 250, C replaced by T.
Protein change: p.Pro84Ser; replaces proline 84 with serine.
Molecular consequence: missense variant.
Genome position (GRCh38, 1-based): chr16:3,850,845, G>A on the plus strand (C>T on the coding strand, the complement: CREBBP is on the minus strand). VCF-style: chr16-3850845-G-A. GRCh37 (hg19) VCF-style: chr16-3900846-G-A.
Other names: c.250C>T, p.Pro84Ser (NM_001079846.1); short protein forms P84S.
Identifiers: ClinVar variation 4707463 (VCV004707463.1).
Genomic context (GRCh38, chr16:3,850,845, plus strand): 5'-GAGCCTGGCCACCCAGGCCCTGCTGCACGGGGCTGCTGGCGCTCACATTTCCTATTCCTG[G>A]GTTGATACTAGAGCCGCTGCCTCCTCGTAGAAGCTCCGACAGTTGTTTATGTTTGGAAGC-3'
Protein context (NP_004371.2, residues 74-94): LRGGSGSSIN[Pro84Ser]GIGNVSASSP

ClinVar aggregate classification (germline): Uncertain significance (1 of 4 stars; one submission).

Conditions:
Rubinstein-Taybi syndrome (RSTS). Identifiers: Orphanet 783, MedGen C0035934, MONDO:0019188.

gnomAD v4.1: 2 of 1,614,028 alleles (0.00012%); highest among the groups gnomAD compares: Non-Finnish European, 0.00017%; no homozygotes.

Submission:

Labcorp Genetics (formerly Invitae), Labcorp
Classification: Uncertain significance for Rubinstein-Taybi syndrome. Last evaluated: 2025-07-16. Review status: criteria provided, single submitter. Criteria: Invitae Variant Classification Sherloc (09022015). Collection method: clinical testing. Allele origin: germline.
Comment: This sequence change replaces proline, which is neutral and non-polar, with serine, which is neutral and polar, at codon 84 of the CREBBP protein (p.Pro84Ser). This variant is not present in population databases (gnomAD no frequency). This variant has not been reported in the literature in individuals affected with CREBBP-related conditions. Invitae Evidence Modeling of protein sequence and biophysical properties (such as structural, functional, and spatial information, amino acid conservation, physicochemical variation, residue mobility, and thermodynamic stability) indicates that this missense variant is not expected to disrupt CREBBP protein function with a negative predictive value of 95%. In summary, the available evidence is currently insufficient to determine the role of this variant in disease. Therefore, it has been classified as a Variant of Uncertain Significance.